The following is an entry in ClinVar:

NM_000492.4(CFTR):c.2926T>G (p.Phe976Val)

Genes: CFTR (CF transmembrane conductance regulator; plus strand), CFTR-AS2 (CFTR antisense RNA 2; minus strand). Cytogenetic location: 7q31.2.
Variant type: single nucleotide variant.
Coding change: c.2926T>G on transcript NM_000492.4 (MANE Select); coding-DNA position 2926, T replaced by G.
Protein change: p.Phe976Val; replaces phenylalanine 976 with valine.
Molecular consequence: missense variant.
Genome position (GRCh38, 1-based): chr7:117,606,691, T>G. VCF-style: chr7-117606691-T-G. GRCh37 (hg19) VCF-style: chr7-117246745-T-G.
Other names: short protein forms F976V.
Identifiers: ClinVar variation 4227402 (VCV004227402.1).

ClinVar aggregate classification (germline): Uncertain significance (1 of 4 stars; one submission).

Conditions:
Cystic fibrosis (CF). Also called: MUCOVISCIDOSIS. Identifiers: Orphanet 586, MedGen C0010674, MONDO:0009061, OMIM 219700. Disease mechanism: loss of function.

Submission:

Ambry Genetics
Classification: Uncertain significance for Cystic fibrosis. Last evaluated: 2025-07-03. Review status: criteria provided, single submitter. Criteria: Ambry Variant Classification Scheme 2023. Collection method: clinical testing. Allele origin: germline.
Comment: The p.F976V variant (also known as c.2926T>G), located in coding exon 18 of the CFTR gene, results from a T to G substitution at nucleotide position 2926. The phenylalanine at codon 976 is replaced by valine, an amino acid with highly similar properties. This amino acid position is conserved. In addition, this alteration is predicted to be deleterious by in silico analysis. Based on the available evidence, the clinical significance of this variant remains unclear.